The following is an entry in ClinVar:

NM_000066.4(C8B):c.361C>T (p.Arg121Ter)

Gene: C8B (complement C8 beta chain; minus strand). Cytogenetic location: 1p32.2.
Variant type: single nucleotide variant.
Coding change: c.361C>T on transcript NM_000066.4 (MANE Select); coding-DNA position 361, C replaced by T.
Protein change: p.Arg121Ter; replaces arginine 121 with a stop codon.
Molecular consequence: nonsense.
Genome position (GRCh38, 1-based): chr1:56,956,799, G>A on the plus strand (C>T on the coding strand, the complement: C8B is on the minus strand). VCF-style: chr1-56956799-G-A. GRCh37 (hg19) VCF-style: chr1-57422472-G-A.
Other names: C8B, ARG121TER; c.205C>T, p.Arg69Ter (NM_001278543.2); c.175C>T, p.Arg59Ter (NM_001278544.2); c.361C>T (NM_000066.3); short protein forms R121*, R69*, R59*.
Identifiers: ClinVar variation 35593 (VCV000035593.14), dbSNP rs150022116, ClinGen allele CA210867.
Genomic context (GRCh38, chr1:56,956,799, plus strand): 5'-TTCCCCTCTTACTCCTACATTGATTTATACCTGTCTGTGCACACACAAAGCCTTCACATC[G>A]CACTTGACTTCCGCATGGTCTGTTGGTAACACAGTCTTCGACTTCCTTGTCAGAGAAGTT-3'

ClinVar aggregate classification (germline): Conflicting classifications of pathogenicity. Review status: criteria provided, conflicting classifications (1 of 4 stars). 8 submissions from 8 submitters: Pathogenic (4); Likely pathogenic (2); Uncertain significance (1). 1 of the submissions does not count toward it. Last evaluated 2026-04-01.

Conditions:
C8B-related disorders.
C8B-related disorder. Also called: C8B-related condition.
Primary ciliary dyskinesia. Also called: Ciliary dyskinesia. Identifiers: Orphanet 244, MedGen C0008780, MONDO:0016575, HP:0012265.
Type II complement component 8 deficiency. Also called: C8 BETA DEFICIENCY; C8B DEFICIENCY; COMPLEMENT COMPONENT 8B DEFICIENCY; COMPLEMENT C8 DEFICIENCY, TYPE II. Identifiers: MedGen C3151080, MONDO:0013421, OMIM 613789.

Allele frequency attached by ClinVar (database versions not stated): TOPMed 0.00008.
gnomAD v4.1: 150 of 1,613,906 alleles (0.0093%); highest among the groups gnomAD compares: Middle Eastern, 0.099%; no homozygotes.

Submissions (8):

Department of Human Genetics, Hannover Medical School
Classification: Likely pathogenic for Primary Ciliary Dyskinesia. Last evaluated: 2026-04-01. Review status: criteria provided, single submitter. Criteria: ACMG Guidelines, 2015. Collection method: research. Allele origin: germline. Affected: no.
Comment: Classification performed by HerediClassify using the following criteria:['PM2_supporting: Variant occures does not occur as homozygous in gnomAD.', 'PVS1_protein_very_strong: Transcript ENST00000371237 is predicted to undergo NMD.']

Dasa
Classification: Pathogenic. Last evaluated: 2026-03-13. Review status: criteria provided, single submitter. Criteria: DASA Assertion Criteria. Collection method: clinical testing. Allele origin: germline.
Comment: NM_000066.4(C8B):c.361C>T (p.Arg121*) introduces a premature termination codon predicted to result in loss of normal protein function. Loss-of-function is an established mechanism of disease for this gene. This variant has been recurrently observed in individuals with related phenotype (PMID: 7594510; PMID: 31440263). Segregation evidence has been reported in affected families. The variant is present at low frequency in population datasets. Based on the available data, this variant is classified as pathogenic.

Labcorp Genetics (formerly Invitae), Labcorp
Classification: Pathogenic. Last evaluated: 2026-01-18. Review status: criteria provided, single submitter. Criteria: Invitae Variant Classification Sherloc (09022015). Collection method: clinical testing. Allele origin: germline.
Comment: This sequence change creates a premature translational stop signal (p.Arg121*) in the C8B gene. It is expected to result in an absent or disrupted protein product. Loss-of-function variants in C8B are known to be pathogenic (PMID: 7594510). This variant is present in population databases (rs150022116, gnomAD 0.09%). This premature translational stop signal has been observed in individual(s) with C8B-related conditions (PMID: 7594510, 31440263). This variant is also known as 388C>T. ClinVar contains an entry for this variant (Variation ID: 35593). For these reasons, this variant has been classified as Pathogenic.

PreventionGenetics, part of Exact Sciences
Classification: Pathogenic for C8B-related condition. Last evaluated: 2025-03-04. Review status: criteria provided, single submitter. Criteria: ACMG Guidelines, 2015. Collection method: clinical testing. Allele origin: germline.
Comment: The C8B c.361C>T variant is predicted to result in premature protein termination (p.Arg121*). This variant (also known as 388C>T) has been reported, in the homozygous state or in the heterozygous state along with a second C8B variant, in multiple individuals with complement C8b deficiency (Saucedo et al. 1995. PubMed ID: 7594510; Table S1, Rosain et al. 2017. PubMed ID: 28368462). This variant is reported in 0.079% of alleles in individuals of Ashkenazi Jewish descent in gnomAD. Nonsense variants in C8B are expected to be pathogenic. This variant is interpreted as pathogenic.

Blueprint Genetics
Classification: Likely pathogenic for C8B-related disorders. Last evaluated: 2024-05-13. Review status: criteria provided, single submitter. Criteria: ACMG Guidelines, 2015. Collection method: clinical testing. Allele origin: germline. Affected: yes. Observed: 5 variant alleles.

Women's Health and Genetics/Laboratory Corporation of America, LabCorp
Classification: Pathogenic for Type II complement component 8 deficiency. Last evaluated: 2024-02-15. Review status: criteria provided, single submitter. Criteria: LabCorp Variant Classification Summary - May 2015. Collection method: clinical testing. Allele origin: germline.
Comment: Variant summary: C8B c.361C>T (p.Arg121X) results in a premature termination codon, predicted to cause a truncation of the encoded protein or absence of the protein due to nonsense mediated decay, which are commonly known mechanisms for disease. The variant allele was found at a frequency of 0.00014 in 251312 control chromosomes (gnomAD). c.361C>T (also known as 388C>T) has been reported in the literature in multiple individuals affected with Type II Complement Component 8 Deficiency (examples: Saucedo_1995, Sissy_2019). The following publications have been ascertained in the context of this evaluation (PMID: 31440263, 7594510). These data indicate that the variant is very likely to be associated with disease. ClinVar contains an entry for this variant (Variation ID: 35593). Based on the evidence outlined above, the variant was classified as pathogenic.

Genomic Research Center, Shahid Beheshti University of Medical Sciences
Classification: Uncertain significance. Last evaluated: 2020-05-03. Review status: criteria provided, single submitter. Criteria: ACMG Guidelines, 2015. Collection method: clinical testing. Allele origin: unknown. Affected: yes.

OMIM
Classification: Pathogenic for COMPLEMENT C8 DEFICIENCY, TYPE II. Last evaluated: 2009-09-01. Review status: no assertion criteria provided. Collection method: literature only. Allele origin: germline. Not counted in ClinVar's aggregate classification.

Literature cited by the submitters: PubMed 7594510 (cited by 4 submitters); PubMed 31440263 (cited by 3 submitters); PubMed 14767900 (cited by OMIM); PubMed 19434484 (cited by OMIM).